The following is an entry in ClinVar:

ClinVar aggregate classification (germline): Uncertain significance (1 of 4 stars; one submission).

Conditions:
SEMA3D-related disorder. Also called: SEMA3D-related condition.

Submission:

PreventionGenetics, part of Exact Sciences
Classification: Uncertain significance for SEMA3D-related condition. Last evaluated: 2025-08-12. Review status: criteria provided, single submitter. Criteria: ACMG Guidelines, 2015. Collection method: clinical testing. Allele origin: germline.
Comment: The SEMA3D c.598C>T variant is predicted to result in the amino acid substitution p.Leu200Phe. To our knowledge, this variant has not been reported in the literature. This variant is reported in 0.0029% of alleles in individuals of Latino descent in gnomAD. At this time, the clinical significance of this variant is uncertain due to the absence of conclusive functional and genetic evidence.

NM_001384900.1(SEMA3D):c.598C>T (p.Leu200Phe)

Gene: SEMA3D (semaphorin 3D; minus strand). Cytogenetic location: 7q21.11.
Variant type: single nucleotide variant.
Coding change: c.598C>T on transcript NM_001384900.1 (MANE Select); coding-DNA position 598, C replaced by T.
Protein change: p.Leu200Phe; replaces leucine 200 with phenylalanine.
Molecular consequence: missense variant.
Genome position (GRCh38, 1-based): chr7:85,065,544, G>A on the plus strand (C>T on the coding strand, the complement: SEMA3D is on the minus strand). VCF-style: chr7-85065544-G-A. GRCh37 (hg19) VCF-style: chr7-84694860-G-A.
Other names: c.598C>T, p.Leu200Phe (NM_001384901.1, NM_001384902.1, NM_001384903.1 and 1 more transcripts); short protein forms L200F.
Identifiers: ClinVar variation 4997348 (VCV004997348.1).